The following is an entry in ClinVar:

ClinVar aggregate classification (germline): Pathogenic (1 of 4 stars; one submission).

Submission:

GeneDx
Classification: Pathogenic. Last evaluated: 2025-01-25. Review status: criteria provided, single submitter. Criteria: GeneDx Variant Classification Process June 2021. Collection method: clinical testing. Allele origin: germline. Affected: yes.
Comment: Frameshift variant predicted to result in abnormal protein length as the last 14 amino acids are replaced with 22 different amino acids, and other similar variants have been reported in HGMD; Not observed at significant frequency in large population cohorts (gnomAD); This variant is associated with the following publications: (PMID: 36011358, 35982159, 33057194)

NM_130839.5(UBE3A):c.2567_2570dup (p.Leu859fs)

Genes: SNHG14 (small nucleolar RNA host gene 14; plus strand), UBE3A (ubiquitin protein ligase E3A; minus strand). Cytogenetic location: 15q11.2.
Variant type: Duplication.
Coding change: c.2567_2570dup on transcript NM_130839.5 (MANE Select); coding-DNA positions 2567 to 2570, 4 bases duplicated (AAGA; older notation c.2567_2570dupAAGA).
Protein change: p.Leu859fs; shifts the reading frame from leucine 859.
Molecular consequence: frameshift variant. On other transcripts: non-coding transcript variant (1).
Genome position (GRCh38, 1-based): chr15:25,339,186-25,339,189, TCTT duplicated on the plus strand (AAGA on the coding strand, the reverse complement: UBE3A is on the minus strand); duplicating any 4 consecutive bases within chr15:25,339,186-25,339,190 gives the same sequence; the c. name uses the placement nearest the transcript's 3' end. VCF-style (leftmost placement, unchanged base first): chr15-25339185-C-CTCTT. GRCh37 (hg19) VCF-style: chr15-25584332-C-CTCTT.
Other names: c.2576_2579dup, p.Leu862fs (NM_000462.5); c.2567_2570dup, p.Leu859fs (NM_001354505.1, NM_001354538.2); c.2507_2510dup, p.Leu839fs (NM_001354506.2, NM_001354507.2, NM_001354508.2 and 14 more transcripts); c.2411_2414dup, p.Leu807fs (NM_001354545.2); c.2390_2393dup, p.Leu800fs (NM_001354546.2); c.2351_2354dup, p.Leu787fs (NM_001354547.2, NM_001354548.2); c.2342_2345dup, p.Leu784fs (NM_001354549.2); c.1316_1319dup, p.Leu442fs (NM_001354550.2); and 3 more; short protein forms L422fs, L839fs, L862fs, L442fs, L784fs, L787fs, L800fs, L807fs.
Identifiers: ClinVar variation 524018 (VCV000524018.3), dbSNP rs587784527, ClinGen allele CA658798288.